The following is an entry in ClinVar:

ClinVar aggregate classification (germline): Uncertain significance (1 of 4 stars; one submission).

Conditions:
Hereditary cancer-predisposing syndrome. Also called: Tumor predisposition; Hereditary neoplastic syndrome; Hereditary Cancer Syndrome; Neoplastic Syndromes, Hereditary. Identifiers: Orphanet 140162, MedGen C0027672, MeSH D009386, MONDO:0015356.

Submission:

Ambry Genetics
Classification: Uncertain significance for Hereditary cancer-predisposing syndrome. Last evaluated: 2024-03-09. Review status: criteria provided, single submitter. Criteria: Ambry Variant Classification Scheme 2023. Collection method: clinical testing. Allele origin: germline.
Comment: The p.C799F variant (also known as c.2396G>T), located in coding exon 10 of the BLM gene, results from a G to T substitution at nucleotide position 2396. The cysteine at codon 799 is replaced by phenylalanine, an amino acid with highly dissimilar properties. This amino acid position is conserved. In addition, this alteration is predicted to be deleterious by in silico analysis. Based on the available evidence, the clinical significance of this alteration remains unclear.

NM_000057.4(BLM):c.2396G>T (p.Cys799Phe)

Gene: BLM (BLM RecQ like helicase; plus strand). Cytogenetic location: 15q26.1.
Variant type: single nucleotide variant.
Coding change: c.2396G>T on transcript NM_000057.4 (MANE Select); coding-DNA position 2396, G replaced by T.
Protein change: p.Cys799Phe; replaces cysteine 799 with phenylalanine.
Molecular consequence: missense variant.
Genome position (GRCh38, 1-based): chr15:90,769,221, G>T. VCF-style: chr15-90769221-G-T. GRCh37 (hg19) VCF-style: chr15-91312451-G-T.
Other names: c.2396G>T, p.Cys799Phe (NM_001287246.2, NM_001287247.2); c.1271G>T, p.Cys424Phe (NM_001287248.2); short protein forms C424F, C799F.
Identifiers: ClinVar variation 3224206 (VCV003224206.1), dbSNP rs2505455008, ClinGen allele CA393845213.